The following is an entry in ClinVar:

ClinVar aggregate classification (germline): Conflicting classifications of pathogenicity. Review status: criteria provided, conflicting classifications (1 of 4 stars). 2 submissions from 2 submitters: Likely pathogenic (1); Uncertain significance (1). Last evaluated 2023-09-19.

Conditions:
Hydrocephalus, nonsyndromic, autosomal recessive 1 (HYC1). Also called: Congenital hydrocephalus 1; Hydrocephalus, nonsyndromic, autosomal recessive. Identifiers: Orphanet 2185, MedGen C3887608, MONDO:0009360, OMIM 236600.

Allele frequency attached by ClinVar (database versions not stated): TOPMed 0.00001.
gnomAD v4.1: 5 of 1,606,468 alleles (0.00031%); highest among the groups gnomAD compares: East Asian, 0.011%; no homozygotes.

Submissions (2):

Labcorp Genetics (formerly Invitae), Labcorp
Classification: Likely pathogenic. Last evaluated: 2023-09-19. Review status: criteria provided, single submitter. Criteria: Invitae Variant Classification Sherloc (09022015). Collection method: clinical testing. Allele origin: germline.
Comment: In summary, the currently available evidence indicates that the variant is pathogenic, but additional data are needed to prove that conclusively. Therefore, this variant has been classified as Likely Pathogenic. Algorithms developed to predict the effect of sequence changes on RNA splicing suggest that this variant may disrupt the consensus splice site. ClinVar contains an entry for this variant (Variation ID: 2179116). This variant has not been reported in the literature in individuals affected with CCDC88C-related conditions. This variant is not present in population databases (gnomAD no frequency). This sequence change affects an acceptor splice site in intron 25 of the CCDC88C gene. It is expected to disrupt RNA splicing. Variants that disrupt the donor or acceptor splice site typically lead to a loss of protein function (PMID: 16199547), and loss-of-function variants in CCDC88C are known to be pathogenic (PMID: 23042809, 29225145).

Juno Genomics, Hangzhou Juno Genomics, Inc
Classification: Uncertain significance for Hydrocephalus, nonsyndromic, autosomal recessive 1. Review status: criteria provided, single submitter. Criteria: ACMG Guidelines, 2015. Collection method: clinical testing. Allele origin: germline.
Comment: Null variant in a gene where loss of function (LOF) is a known mechanism of disease.;Absent from controls (or at extremely low frequency if recessive) in Genome Aggregation Database.

Literature cited by the submitters: PubMed 16199547 (cited by Labcorp Genetics (formerly Invitae), Labcorp); PubMed 23042809 (cited by Labcorp Genetics (formerly Invitae), Labcorp); PubMed 29225145 (cited by Labcorp Genetics (formerly Invitae), Labcorp).

NM_001080414.4(CCDC88C):c.4442-2A>C

Gene: CCDC88C (coiled-coil and HOOK domain protein 88C; minus strand). Cytogenetic location: 14q32.11.
Variant type: single nucleotide variant.
Coding change: c.4442-2A>C on transcript NM_001080414.4 (MANE Select); the canonical splice acceptor site of the intron before coding-DNA position 4442, A replaced by C.
Molecular consequence: splice acceptor variant.
Genome position (GRCh38, 1-based): chr14:91,283,519, T>G on the plus strand (A>C on the coding strand, the complement: CCDC88C is on the minus strand). VCF-style: chr14-91283519-T-G. GRCh37 (hg19) VCF-style: chr14-91749863-T-G.
Identifiers: ClinVar variation 2179116 (VCV002179116.6), dbSNP rs1283433071, ClinGen allele CA390614151.